The following is an entry in ClinVar:

ClinVar aggregate classification (germline): Pathogenic/Likely pathogenic. Review status: criteria provided, multiple submitters, no conflicts (2 of 4 stars). 6 submissions from 6 submitters: Pathogenic (2); Likely pathogenic (3). 1 of the submissions does not count toward it. Last evaluated 2025-08-11.

Conditions:
Autosomal recessive DYSF-related disorders.
Autosomal recessive limb-girdle muscular dystrophy type 2B (LGMDR2). Also called: Limb-girdle muscular dystrophy, type 2B; MUSCULAR DYSTROPHY, LIMB-GIRDLE, AUTOSOMAL RECESSIVE 2; MUSCULAR DYSTROPHY, LIMB-GIRDLE, TYPE 3; Limb-Girdle Muscular Dystrophy Type 2B (LGMD2B). Identifiers: Orphanet 268, MedGen C1850889, MONDO:0009676, OMIM 253601.
Miyoshi muscular dystrophy 1 (MMD1). Identifiers: Orphanet 45448, MedGen C4551973, MONDO:0024545, OMIM 254130.
Neuromuscular disease caused by qualitative or quantitative defects of dysferlin. Also called: Dysferlinopathy; Qualitative or quantitative defects of dysferlin. Identifiers: Orphanet 207073, MedGen C2931687, MONDO:0016145.

Allele frequency attached by ClinVar (database versions not stated): gnomAD exomes below 0.00001; TOPMed below 0.00001; gnomAD 0.00001.
gnomAD v4.1: 4 of 1,613,666 alleles (0.00025%); highest among the groups gnomAD compares: Non-Finnish European, 0.00025%; no homozygotes.

Submissions (6):

Variantyx, Inc.
Classification: Likely pathogenic for Autosomal recessive DYSF-related disorders. Last evaluated: 2025-08-11. Review status: criteria provided, single submitter. Criteria: Variantyx Assertion Criteria 2022. Collection method: clinical testing. Allele origin: germline. Inheritance: Autosomal recessive inheritance.
Comment: This is a nonsense variant in the DYSF gene (OMIM: 603009). Pathogenic variants in this gene have been associated with autosomal recessive DYSF-related disorders. This variant introduces a premature termination codon in exon 47 out of 56 and is expected to result in loss of function, which is a known disease mechanism for DYSF in this disorder (PMID: 17698709, 20301480) (PVS1). This variant has a 0.0003% maximum allele frequency in non-founder control populations ((PM2). Based on the current evidence, this variant is classified as likely pathogenic for autosomal recessive DYSF-related disorders.

Labcorp Genetics (formerly Invitae), Labcorp
Classification: Pathogenic for Neuromuscular disease caused by qualitative or quantitative defects of dysferlin. Last evaluated: 2025-07-21. Review status: criteria provided, single submitter. Criteria: Invitae Variant Classification Sherloc (09022015). Collection method: clinical testing. Allele origin: germline.
Comment: This sequence change creates a premature translational stop signal (p.Gln1695*) in the DYSF gene. It is expected to result in an absent or disrupted protein product. Loss-of-function variants in DYSF are known to be pathogenic (PMID: 17698709, 20301480). This variant is not present in population databases (gnomAD no frequency). This variant has not been reported in the literature in individuals affected with DYSF-related conditions. ClinVar contains an entry for this variant (Variation ID: 290310). For these reasons, this variant has been classified as Pathogenic.

Natera, Inc.
Classification: Likely pathogenic for Limb-girdle muscular dystrophy type 2B. Last evaluated: 2024-02-28. Review status: criteria provided, single submitter. Criteria: Natera Variant Classification Schema (03/2026). Collection method: clinical testing. Allele origin: germline.
Comment: The c.5083C>T variant in DYSF is a nonsense variant predicted to introduce a stop codon at amino acid 1695. This variant is expected to result in nonsense mediated decay, truncation, or a dysfunctional protein product. This variant is rare in the general population with a frequency below the threshold expected for the associated phenotype(s). Given the available evidence, this variant is classified as Likely Pathogenic.

Baylor Genetics
Classification: Likely pathogenic for Miyoshi muscular dystrophy 1. Last evaluated: 2024-02-09. Review status: criteria provided, single submitter. Criteria: ACMG Guidelines, 2015. Collection method: clinical testing. Allele origin: unknown.

Eurofins Ntd Llc (ga)
Classification: Pathogenic. Last evaluated: 2016-09-18. Review status: criteria provided, single submitter. Criteria: EGL Classification Definitions 2015. Collection method: clinical testing. Allele origin: germline. Observed: 1 variant allele, 1 heterozygote.

Counsyl
Classification: Likely pathogenic for Autosomal recessive limb-girdle muscular dystrophy type 2B. Last evaluated: 2018-04-30. Review status: no assertion criteria provided. Collection method: clinical testing. Allele origin: unknown. Not counted in ClinVar's aggregate classification.

Literature cited by the submitters: PubMed 17698709 (cited by Variantyx, Inc. and Labcorp Genetics (formerly Invitae), Labcorp); PubMed 20301480 (cited by Variantyx, Inc. and Labcorp Genetics (formerly Invitae), Labcorp).

NM_001130987.2(DYSF):c.5200C>T (p.Gln1734Ter)

Gene: DYSF (dysferlin; plus strand). Cytogenetic location: 2p13.2.
Variant type: single nucleotide variant.
Coding change: c.5200C>T on transcript NM_001130987.2 (MANE Select); coding-DNA position 5200, C replaced by T.
Protein change: p.Gln1734Ter; replaces glutamine 1734 with a stop codon.
Molecular consequence: nonsense.
Genome position (GRCh38, 1-based): chr2:71,665,187, C>T. VCF-style: chr2-71665187-C-T. GRCh37 (hg19) VCF-style: chr2-71892317-C-T.
Other names: c.5086C>T, p.Gln1696Ter (NM_001130455.2); c.5041C>T, p.Gln1681Ter (NM_001130976.2); c.5104C>T, p.Gln1702Ter (NM_001130977.2); c.5146C>T, p.Gln1716Ter (NM_001130978.2); c.5176C>T, p.Gln1726Ter (NM_001130979.2); c.5134C>T, p.Gln1712Ter (NM_001130980.2); c.5197C>T, p.Gln1733Ter (NM_001130981.2); c.5179C>T, p.Gln1727Ter (NM_001130982.2); and 5 more; short protein forms Q1695*, Q1734*, Q1681*, Q1727*, Q1682*, Q1716*, Q1726*, Q1696*.
Identifiers: ClinVar variation 290310 (VCV000290310.14), dbSNP rs886044422, ClinGen allele CA10606735.